The following is an entry in ClinVar:

NM_001130823.3(DNMT1):c.996C>T (p.Asp332=)

Gene: DNMT1 (DNA methyltransferase 1; minus strand). Cytogenetic location: 19p13.2.
Variant type: single nucleotide variant.
Coding change: c.996C>T on transcript NM_001130823.3 (MANE Select); coding-DNA position 996, C replaced by T.
Protein change: p.Asp332=; no amino-acid change (aspartic acid 332 retained).
Molecular consequence: synonymous variant.
Genome position (GRCh38, 1-based): chr19:10,162,679, G>A on the plus strand (C>T on the coding strand, the complement: DNMT1 is on the minus strand). VCF-style: chr19-10162679-G-A. GRCh37 (hg19) VCF-style: chr19-10273355-G-A.
Other names: p.Asp332=; c.996C>T (LRG_362t1, NM_001130823.2); c.948C>T, p.Asp316= (NM_001318730.2, NM_001379.4); c.633C>T, p.Asp211= (NM_001318731.2).
Identifiers: ClinVar variation 327917 (VCV000327917.19), dbSNP rs16999358, ClinGen allele CA9188499.

ClinVar aggregate classification (germline): Benign. Review status: criteria provided, multiple submitters, no conflicts (2 of 4 stars). 6 submissions from 6 submitters: Benign (6). Last evaluated 2026-01-18.

Conditions:
Hereditary sensory neuropathy-deafness-dementia syndrome. Also called: NEUROPATHY, HEREDITARY SENSORY, WITH HEARING LOSS AND DEMENTIA; Hereditary Sensory and Autonomic Neuropathy Type 1E (HSAN1E); Hereditary sensory neuropathy type IE; HSN IE. Identifiers: Orphanet 456318, MedGen C3279885, MONDO:0013584, OMIM 614116.
DNMT1-related disorder. Also called: DNMT1-related condition. Identifiers: MedGen CN381527.

Allele frequency attached by ClinVar (database versions not stated): ESP Exome Variant Server 0.00054; gnomAD exomes 0.00230 and 0.00625; gnomAD 0.00243 and 0.00276; TOPMed 0.00346; ExAC 0.00602; 1000 Genomes Project 30x 0.00781; 1000 Genomes Project 0.00799.
gnomAD v4.1: 3,869 of 1,611,458 alleles (0.24%); highest among the groups gnomAD compares: East Asian, 5.9%; 87 homozygotes.

Submissions (6):

Labcorp Genetics (formerly Invitae), Labcorp
Classification: Benign for Hereditary sensory neuropathy-deafness-dementia syndrome. Last evaluated: 2026-01-18. Review status: criteria provided, single submitter. Criteria: Invitae Variant Classification Sherloc (09022015). Collection method: clinical testing. Allele origin: germline.

PreventionGenetics, part of Exact Sciences
Classification: Benign for DNMT1-related condition. Last evaluated: 2025-09-03. Review status: criteria provided, single submitter. Criteria: ACMG Guidelines, 2015. Collection method: clinical testing. Allele origin: germline.
Comment: This variant is classified as benign based on ACMG/AMP sequence variant interpretation guidelines (Richards et al. 2015 PMID: 25741868, with internal and published modifications).

Mayo Clinic Laboratories, Mayo Clinic
Classification: Benign. Last evaluated: 2023-10-08. Review status: criteria provided, single submitter. Criteria: ACMG Guidelines, 2015. Collection method: clinical testing. Allele origin: germline. Observed: 7 variant alleles.

Illumina Laboratory Services, Illumina
Classification: Benign for Hereditary sensory neuropathy-deafness-dementia syndrome. Last evaluated: 2018-01-12. Review status: criteria provided, single submitter. Criteria: ICSL Variant Classification Criteria 13 December 2019. Collection method: clinical testing. Allele origin: germline.
Comment: This variant was observed in the ICSL laboratory as part of a predisposition screen in an ostensibly healthy population. It had not been previously curated by ICSL or reported in the Human Gene Mutation Database (HGMD: prior to June 1st, 2018), and was therefore a candidate for classification through an automated scoring system. Utilizing variant allele frequency, disease prevalence and penetrance estimates, and inheritance mode, an automated score was calculated to assess if this variant is too frequent to cause the disease. Based on the score and internal cut-off values, a variant classified as benign is not then subjected to further curation. The score for this variant resulted in a classification of benign for this disease.

GeneDx
Classification: Benign. Last evaluated: 2015-03-03. Review status: criteria provided, single submitter. Criteria: GeneDx Variant Classification Process June 2021. Collection method: clinical testing. Allele origin: germline. Affected: yes.

Breakthrough Genomics
Classification: Benign. Review status: criteria provided, single submitter. Criteria: ACMG Guidelines, 2015. Collection method: not provided. Allele origin: germline. Inheritance: Autosomal dominant inheritance. Affected: yes.